The following is an entry in ClinVar:

ClinVar aggregate classification (germline): Uncertain significance (1 of 4 stars; one submission).

Submission:

Labcorp Genetics (formerly Invitae), Labcorp
Classification: Uncertain significance. Last evaluated: 2024-06-09. Review status: criteria provided, single submitter. Criteria: Invitae Variant Classification Sherloc (09022015). Collection method: clinical testing. Allele origin: germline.
Comment: This sequence change creates a premature translational stop signal (p.His454Ilefs*2) in the POLG2 gene. While this is not anticipated to result in nonsense mediated decay, it is expected to disrupt the last 32 amino acid(s) of the POLG2 protein. This variant is not present in population databases (gnomAD no frequency). This variant has not been reported in the literature in individuals affected with POLG2-related conditions. Algorithms developed to predict the effect of sequence changes on RNA splicing suggest that this variant may disrupt the consensus splice site. This variant disrupts the C-terminus of the POLG2 protein. Other variant(s) that disrupt this region (p.Leu475Aspfs*2) have been observed in individuals with POLG2-related conditions (PMID: 21555342). This suggests that this may be a clinically significant region of the protein. In summary, the available evidence is currently insufficient to determine the role of this variant in disease. Therefore, it has been classified as a Variant of Uncertain Significance.

Literature cited by the submitters: PubMed 21555342.

NM_007215.4(POLG2):c.1360del (p.His454fs)

Genes: MILR1 (mast cell immunoglobulin like receptor 1; plus strand), POLG2 (DNA polymerase gamma 2, accessory subunit; minus strand). Cytogenetic location: 17q23.3.
Variant type: Deletion.
Coding change: c.1360del on transcript NM_007215.4 (MANE Select); coding-DNA position 1360, one base deleted (C; older notation c.1360delC).
Protein change: p.His454fs; shifts the reading frame from histidine 454.
Molecular consequence: frameshift variant.
Genome position (GRCh38, 1-based): chr17:64,477,921, G deleted on the plus strand (C on the coding strand, the reverse complement: POLG2 is on the minus strand). VCF-style (leftmost placement, unchanged base first): chr17-64477920-TG-T. GRCh37 (hg19) VCF-style: chr17-62474037-TG-T.
Other names: short protein forms H454fs.
Identifiers: ClinVar variation 3695673 (VCV003695673.2).